The following is an entry in ClinVar:

ClinVar aggregate classification (germline): Uncertain significance. Review status: criteria provided, multiple submitters, no conflicts (2 of 4 stars). 3 submissions from 3 submitters: Uncertain significance (2). 1 of the submissions does not count toward it. Last evaluated 2022-10-12.

Conditions:
PDGFB-related disorder. Also called: PDGFB-related condition.

Allele frequency attached by ClinVar (database versions not stated): TOPMed 0.00002; gnomAD 0.00003; gnomAD exomes 0.00004; ExAC 0.00005.
gnomAD v4.1: 70 of 1,613,460 alleles (0.0043%); highest among the groups gnomAD compares: Non-Finnish European, 0.0054%; no homozygotes.

Submissions (3):

Women's Health and Genetics/Laboratory Corporation of America, LabCorp
Classification: Uncertain significance. Last evaluated: 2022-10-12. Review status: criteria provided, single submitter. Criteria: LabCorp Variant Classification Summary - May 2015. Collection method: clinical testing. Allele origin: germline.
Comment: Variant summary: PDGFB c.313G>A (p.Glu105Lys) results in a conservative amino acid change located in the PDGF/VEGF domain (IPR000072) of the encoded protein sequence. Four of five in-silico tools predict a benign effect of the variant on protein function. The variant allele was found at a frequency of 4e-05 in 248382 control chromosomes (gnomAD). To our knowledge, no occurrence of c.313G>A in individuals affected with Idiopathic Basal Ganglia Calcification and no experimental evidence demonstrating its impact on protein function have been reported. No clinical diagnostic laboratories have submitted clinical-significance assessments for this variant to ClinVar after 2014. Based on the evidence outlined above, the variant was classified as uncertain significance.

Breakthrough Genomics
Classification: Uncertain significance. Review status: criteria provided, single submitter. Criteria: ACMG Guidelines, 2015. Collection method: not provided. Allele origin: germline. Inheritance: Autosomal dominant inheritance. Affected: yes.

PreventionGenetics, part of Exact Sciences
Classification: Uncertain significance for PDGFB-related condition. Last evaluated: 2024-06-07. Review status: no assertion criteria provided. Collection method: clinical testing. Allele origin: germline. Not counted in ClinVar's aggregate classification.
Comment: The PDGFB c.313G>A variant is predicted to result in the amino acid substitution p.Glu105Lys. To our knowledge, this variant has not been reported in the literature. This variant is reported in 0.0078% of alleles in individuals of European (Non-Finnish) descent in gnomAD. At this time, the clinical significance of this variant is uncertain due to the absence of conclusive functional and genetic evidence.

NM_002608.4(PDGFB):c.313G>A (p.Glu105Lys)

Gene: PDGFB (platelet derived growth factor subunit B; minus strand). Cytogenetic location: 22q13.1.
Variant type: single nucleotide variant.
Coding change: c.313G>A on transcript NM_002608.4 (MANE Select); coding-DNA position 313, G replaced by A.
Protein change: p.Glu105Lys; replaces glutamic acid 105 with lysine.
Molecular consequence: missense variant.
Genome position (GRCh38, 1-based): chr22:39,231,765, C>T on the plus strand (G>A on the coding strand, the complement: PDGFB is on the minus strand). VCF-style: chr22-39231765-C-T. GRCh37 (hg19) VCF-style: chr22-39627770-C-T.
Other names: c.268G>A, p.Glu90Lys (NM_033016.3); short protein forms E105K, E90K.
Identifiers: ClinVar variation 1723299 (VCV001723299.3), dbSNP rs753490148, ClinGen allele CA10240144.